The following is an entry in ClinVar:

ClinVar aggregate classification (germline): Uncertain significance (1 of 4 stars; one submission).

gnomAD v4.1: 16 of 1,614,040 alleles (0.00099%); highest among the groups gnomAD compares: Non-Finnish European, 0.0014%; no homozygotes.

Submission:

Labcorp Genetics (formerly Invitae), Labcorp
Classification: Uncertain significance. Last evaluated: 2025-07-24. Review status: criteria provided, single submitter. Criteria: Invitae Variant Classification Sherloc (09022015). Collection method: clinical testing. Allele origin: germline.
Comment: This sequence change replaces isoleucine, which is neutral and non-polar, with threonine, which is neutral and polar, at codon 498 of the EPAS1 protein (p.Ile498Thr). This variant is present in population databases (rs145682196, gnomAD 0.007%). This variant has not been reported in the literature in individuals affected with EPAS1-related conditions. ClinVar contains an entry for this variant (Variation ID: 3608719). An algorithm developed to predict the effect of missense changes on protein structure and function (PolyPhen-2) suggests that this variant is likely to be tolerated. In summary, the available evidence is currently insufficient to determine the role of this variant in disease. Therefore, it has been classified as a Variant of Uncertain Significance.

NM_001430.5(EPAS1):c.1493T>C (p.Ile498Thr)

Gene: EPAS1 (endothelial PAS domain protein 1; plus strand). Cytogenetic location: 2p21.
Variant type: single nucleotide variant.
Coding change: c.1493T>C on transcript NM_001430.5 (MANE Select); coding-DNA position 1493, T replaced by C.
Protein change: p.Ile498Thr; replaces isoleucine 498 with threonine.
Molecular consequence: missense variant.
Genome position (GRCh38, 1-based): chr2:46,378,706, T>C. VCF-style: chr2-46378706-T-C. GRCh37 (hg19) VCF-style: chr2-46605845-T-C.
Other names: short protein forms I498T.
Identifiers: ClinVar variation 3608719 (VCV003608719.2).